The following is an entry in ClinVar:

NM_004172.5(SLC1A3):c.1436G>A (p.Arg479Gln)

Genes: SLC1A3 (solute carrier family 1 member 3; plus strand), SLC1A3-AS1 (SLC1A3 antisense RNA 1; minus strand). Cytogenetic location: 5p13.2.
Variant type: single nucleotide variant.
Coding change: c.1436G>A on transcript NM_004172.5 (MANE Select); coding-DNA position 1436, G replaced by A.
Protein change: p.Arg479Gln; replaces arginine 479 with glutamine.
Molecular consequence: missense variant.
Genome position (GRCh38, 1-based): chr5:36,686,076, G>A. VCF-style: chr5-36686076-G-A. GRCh37 (hg19) VCF-style: chr5-36686178-G-A.
Other names: c.1301G>A, p.Arg434Gln (NM_001166695.3); c.1298G>A, p.Arg433Gln (NM_001289939.2); c.1100G>A, p.Arg367Gln (NM_001289940.2); c.1436G>A (NM_004172.4); short protein forms R367Q, R433Q, R434Q, R479Q.
Identifiers: ClinVar variation 2441631 (VCV002441631.2), dbSNP rs2478191080, ClinGen allele CA359610023.
Genomic context (GRCh38, chr5:36,686,076, plus strand): 5'-TGATGCTCACGGGAGCCTCGTTTTTCCCTCCTCCCCACCCTGCCTGCAGGGATCGCCTCC[G>A]GACCACCACCAACGTACTGGGAGACTCCCTGGGAGCTGGGATTGTGGAGCACTTGTCACG-3'
Protein context (NP_004163.3, residues 469-489): IAVDWFLDRL[Arg479Gln]TTTNVLGDSL

ClinVar aggregate classification (germline): Uncertain significance. Review status: criteria provided, multiple submitters, no conflicts (2 of 4 stars). 2 submissions from 2 submitters: Uncertain significance (2). Last evaluated 2025-10-20.

Conditions:
Episodic ataxia type 6. Identifiers: Orphanet 209967, MedGen C2675211, MONDO:0012982, OMIM 612656.

Allele frequency attached by ClinVar (database versions not stated): gnomAD exomes below 0.00001.
gnomAD v4.1: 1 of 1,614,070 alleles (0.000062%); highest among the groups gnomAD compares: Non-Finnish European, 0.000085%; no homozygotes.

Submissions (2):

Athena Diagnostics
Classification: Uncertain significance. Last evaluated: 2025-10-20. Review status: criteria provided, single submitter. Criteria: Athena Diagnostics Criteria. Collection method: clinical testing. Allele origin: unknown.
Comment: Available data are insufficient to determine the clinical significance of the variant at this time. This variant has not been reported in large, multi-ethnic general populations. Computational tools yielded predictions that this variant may result in the gain of a cryptic splice site without affecting the natural splice sites. Polyphen and MutationTaster predict this amino acid change may be damaging to the protein.

Baylor Genetics
Classification: Uncertain significance for Episodic ataxia type 6. Last evaluated: 2022-10-10. Review status: criteria provided, single submitter. Criteria: ACMG Guidelines, 2015. Collection method: clinical testing. Allele origin: unknown.